The following is an entry in ClinVar:

NM_005458.8(GABBR2):c.1072G>A (p.Ala358Thr)

Gene: GABBR2 (gamma-aminobutyric acid type B receptor subunit 2; minus strand). Cytogenetic location: 9q22.33.
Variant type: single nucleotide variant.
Coding change: c.1072G>A on transcript NM_005458.8 (MANE Select); coding-DNA position 1072, G replaced by A.
Protein change: p.Ala358Thr; replaces alanine 358 with threonine.
Molecular consequence: missense variant.
Genome position (GRCh38, 1-based): chr9:98,454,145, C>T on the plus strand (G>A on the coding strand, the complement: GABBR2 is on the minus strand). VCF-style: chr9-98454145-C-T. GRCh37 (hg19) VCF-style: chr9-101216427-C-T.
Other names: short protein forms A358T.
Identifiers: ClinVar variation 1521866 (VCV001521866.6), dbSNP rs753968000, ClinGen allele CA5152809.

ClinVar aggregate classification (germline): Uncertain significance (1 of 4 stars; one submission).

Conditions:
Epileptic encephalopathy. Identifiers: MedGen C0543888, HP:0200134.

Allele frequency attached by ClinVar (database versions not stated): gnomAD exomes below 0.00001; TOPMed below 0.00001; ExAC 0.00001; gnomAD 0.00001.
gnomAD v4.1: 7 of 1,614,004 alleles (0.00043%); highest among the groups gnomAD compares: African/African-American, 0.0013%; no homozygotes.

Submission:

Labcorp Genetics (formerly Invitae), Labcorp
Classification: Uncertain significance for Epileptic encephalopathy. Last evaluated: 2022-07-06. Review status: criteria provided, single submitter. Criteria: Invitae Variant Classification Sherloc (09022015). Collection method: clinical testing. Allele origin: germline.
Comment: This sequence change replaces alanine, which is neutral and non-polar, with threonine, which is neutral and polar, at codon 358 of the GABBR2 protein (p.Ala358Thr). This variant is present in population databases (rs753968000, gnomAD 0.0009%). This variant has not been reported in the literature in individuals affected with GABBR2-related conditions. ClinVar contains an entry for this variant (Variation ID: 1521866). Algorithms developed to predict the effect of missense changes on protein structure and function are either unavailable or do not agree on the potential impact of this missense change (SIFT: "Deleterious"; PolyPhen-2: "Probably Damaging"; Align-GVGD: "Class C0"). In summary, the available evidence is currently insufficient to determine the role of this variant in disease. Therefore, it has been classified as a Variant of Uncertain Significance.